The following is an entry in ClinVar:

NM_001083614.2(EARS2):c.*715G>A

Genes: EARS2 (glutamyl-tRNA synthetase 2, mitochondrial; minus strand), GGA2 (golgi associated, gamma adaptin ear containing, ARF binding protein 2; minus strand). Cytogenetic location: 16p12.2.
Variant type: single nucleotide variant.
Coding change: c.*715G>A on transcript NM_001083614.2 (MANE Select); 715 bases downstream of the stop codon, G replaced by A.
Molecular consequence: 3 prime UTR variant. On other transcripts: non-coding transcript variant (1).
Genome position (GRCh38, 1-based): chr16:23,523,656, C>T on the plus strand (G>A on the coding strand, the complement: EARS2 is on the minus strand). VCF-style: chr16-23523656-C-T. GRCh37 (hg19) VCF-style: chr16-23534977-C-T.
Identifiers: ClinVar variation 318529 (VCV000318529.5), dbSNP rs74014930, ClinGen allele CA10647216.

ClinVar aggregate classification (germline): Benign (1 of 4 stars; one submission).

Conditions:
Leukoencephalopathy-thalamus and brainstem anomalies-high lactate syndrome. Also called: LEUKOENCEPHALOPATHY WITH THALAMUS AND BRAINSTEM INVOLVEMENT AND HIGH LACTATE; Combined oxidative phosphorylation deficiency 12. Identifiers: Orphanet 314051, MedGen C4706421, MONDO:0013971, OMIM 614924.

Allele frequency attached by ClinVar (database versions not stated): gnomAD 0.01055 and 0.01133; 1000 Genomes Project 0.01158; TOPMed 0.01170; 1000 Genomes Project 30x 0.01187.

Submission:

Illumina Laboratory Services, Illumina
Classification: Benign for Leukoencephalopathy-thalamus and brainstem anomalies-high lactate syndrome. Last evaluated: 2018-01-13. Review status: criteria provided, single submitter. Criteria: ICSL Variant Classification Criteria 13 December 2019. Collection method: clinical testing. Allele origin: germline.
Comment: This variant was observed in the ICSL laboratory as part of a predisposition screen in an ostensibly healthy population. It had not been previously curated by ICSL or reported in the Human Gene Mutation Database (HGMD: prior to June 1st, 2018), and was therefore a candidate for classification through an automated scoring system. Utilizing variant allele frequency, disease prevalence and penetrance estimates, and inheritance mode, an automated score was calculated to assess if this variant is too frequent to cause the disease. Based on the score and internal cut-off values, a variant classified as benign is not then subjected to further curation. The score for this variant resulted in a classification of benign for this disease.